The following is an entry in ClinVar:

NM_004104.5(FASN):c.894+8C>A

Gene: FASN (fatty acid synthase; minus strand). Cytogenetic location: 17q25.3.
Variant type: single nucleotide variant.
Coding change: c.894+8C>A on transcript NM_004104.5 (MANE Select); 8 bases into the intron after coding-DNA position 894, C replaced by A.
Molecular consequence: intron variant.
Genome position (GRCh38, 1-based): chr17:82,092,689, G>T on the plus strand (C>A on the coding strand, the complement: FASN is on the minus strand). VCF-style: chr17-82092689-G-T. GRCh37 (hg19) VCF-style: chr17-80050565-G-T.
Identifiers: ClinVar variation 531098 (VCV000531098.36), dbSNP rs759051221, ClinGen allele CA8853350.

ClinVar aggregate classification (germline): Benign/Likely benign. Review status: criteria provided, multiple submitters, no conflicts (2 of 4 stars). 3 submissions from 3 submitters: Benign (2); Likely benign (1). Last evaluated 2026-02-03.

Conditions:
Epileptic encephalopathy. Identifiers: MedGen C0543888, HP:0200134.

Allele frequency attached by ClinVar (database versions not stated): 1000 Genomes Project 30x 0.00016; TOPMed 0.00066.
gnomAD v4.1: 1,277 of 821,134 alleles (0.16%); highest among the groups gnomAD compares: Middle Eastern, 0.54%; 10 homozygotes.

Submissions (3):

Labcorp Genetics (formerly Invitae), Labcorp
Classification: Benign for Epileptic encephalopathy. Last evaluated: 2026-02-03. Review status: criteria provided, single submitter. Criteria: Invitae Variant Classification Sherloc (09022015). Collection method: clinical testing. Allele origin: germline.

CeGaT Center for Human Genetics Tuebingen
Classification: Likely benign. Last evaluated: 2023-01-01. Review status: criteria provided, single submitter. Criteria: CeGaT Center For Human Genetics Tuebingen Variant Classification Criteria Version 2. Collection method: clinical testing. Allele origin: germline. Affected: yes. Observed: 1 variant allele.
Comment: FASN: BP4, BS2

Breakthrough Genomics
Classification: Benign. Review status: criteria provided, single submitter. Criteria: ACMG Guidelines, 2015. Collection method: not provided. Allele origin: germline. Inheritance: Unknown mechanism. Affected: yes.